The following is an entry in ClinVar:

NM_001848.3(COL6A1):c.1524+19_1524+20delinsCA

Gene: COL6A1 (collagen type VI alpha 1 chain; plus strand). Cytogenetic location: 21q22.3.
Variant type: Indel.
Coding change: c.1524+19_1524+20delinsCA on transcript NM_001848.3 (MANE Select); bases 19 to 20 of the intron after coding-DNA position 1524, GG replaced by CA.
Molecular consequence: intron variant.
Genome position (GRCh38, 1-based): chr21:45,997,781-45,997,782, GG replaced by CA. VCF-style: chr21-45997781-GG-CA. GRCh37 (hg19) VCF-style: chr21-47417695-GG-CA.
Identifiers: ClinVar variation 4702094 (VCV004702094.1).

ClinVar aggregate classification (germline): Uncertain significance (1 of 4 stars; one submission).

Conditions:
Bethlem myopathy 1A. Also called: MYOPATHY, BENIGN CONGENITAL, WITH CONTRACTURES; Bethlem myopathy 1; Bethlem Muscular Dystrophy. Identifiers: Orphanet 610, MedGen CN029274, MONDO:0024530, OMIM 158810.

Submission:

Labcorp Genetics (formerly Invitae), Labcorp
Classification: Uncertain significance for Bethlem myopathy 1A. Last evaluated: 2025-02-11. Review status: criteria provided, single submitter. Criteria: Invitae Variant Classification Sherloc (09022015). Collection method: clinical testing. Allele origin: germline.
Comment: This sequence change falls in intron 22 of the COL6A1 gene. It does not directly change the encoded amino acid sequence of the COL6A1 protein. Information on the frequency of this variant in the gnomAD database is not available, as this variant may be reported differently in the database. This variant has not been reported in the literature in individuals affected with COL6A1-related conditions. Experimental studies and prediction algorithms are not available or were not evaluated, and the effect of this variant on mRNA splicing is currently unknown. In summary, the available evidence is currently insufficient to determine the role of this variant in disease. Therefore, it has been classified as a Variant of Uncertain Significance.